The following is an entry in ClinVar:

NM_014055.4(IFT81):c.916C>T (p.His306Tyr)

Gene: IFT81 (intraflagellar transport 81; plus strand). Cytogenetic location: 12q24.11.
Variant type: single nucleotide variant.
Coding change: c.916C>T on transcript NM_014055.4 (MANE Select); coding-DNA position 916, C replaced by T.
Protein change: p.His306Tyr; replaces histidine 306 with tyrosine.
Molecular consequence: missense variant. On other transcripts: non-coding transcript variant (3), intron variant (2).
Genome position (GRCh38, 1-based): chr12:110,143,516, C>T. VCF-style: chr12-110143516-C-T. GRCh37 (hg19) VCF-style: chr12-110581321-C-T.
Other names: c.916C>T, p.His306Tyr (NM_001143779.2, NM_001347946.2, NM_031473.4); c.16-3437C>T (NM_001347948.2, NM_001347947.2); short protein forms H306Y.
Identifiers: ClinVar variation 1500766 (VCV001500766.5), dbSNP rs529783964, ClinGen allele CA6783212.

ClinVar aggregate classification (germline): Uncertain significance (1 of 4 stars; one submission).

Allele frequency attached by ClinVar (database versions not stated): gnomAD 0.00001; gnomAD exomes 0.00001; ExAC 0.00002; 1000 Genomes Project 30x 0.00016; 1000 Genomes Project 0.00020.
gnomAD v4.1: 8 of 1,554,190 alleles (0.00051%); highest among the groups gnomAD compares: Admixed American, 0.014%; no homozygotes.

Submission:

Labcorp Genetics (formerly Invitae), Labcorp
Classification: Uncertain significance. Last evaluated: 2022-08-05. Review status: criteria provided, single submitter. Criteria: Invitae Variant Classification Sherloc (09022015). Collection method: clinical testing. Allele origin: germline.
Comment: This sequence change replaces histidine, which is basic and polar, with tyrosine, which is neutral and polar, at codon 306 of the IFT81 protein (p.His306Tyr). This variant is present in population databases (rs529783964, gnomAD 0.01%). This variant has not been reported in the literature in individuals affected with IFT81-related conditions. ClinVar contains an entry for this variant (Variation ID: 1500766). Algorithms developed to predict the effect of missense changes on protein structure and function (SIFT, PolyPhen-2, Align-GVGD) all suggest that this variant is likely to be tolerated. In summary, the available evidence is currently insufficient to determine the role of this variant in disease. Therefore, it has been classified as a Variant of Uncertain Significance.